The following is an entry in ClinVar:

ClinVar aggregate classification (germline): Pathogenic (1 of 4 stars; one submission).

Conditions:
Fabry disease. Also called: ALPHA-GALACTOSIDASE A DEFICIENCY; ANDERSON-FABRY DISEASE; CERAMIDE TRIHEXOSIDASE DEFICIENCY; GLA DEFICIENCY; HEREDITARY DYSTOPIC LIPIDOSIS; Angiokeratoma corporis diffusum. Identifiers: Orphanet 324, MedGen C0002986, MONDO:0010526, OMIM 301500, HP:0001071. Disease mechanism: Fabry disease is due to inactivating mutations in the X-linked GLA gene resulting in deficiency of the enzyme Alpha Galactosidase-A., loss of function.

Submission:

Genomenon, Inc
Classification: Pathogenic for Fabry disease. Last evaluated: 2026-09-08. Review status: criteria provided, single submitter. Criteria: Genomenon Sequence Variant Interpretation Standards - Updated. Collection method: curation. Allele origin: germline. Affected: yes.
Comment: GLA p.Thr194LeufsTer46 (c.579del) is a frameshift variant that is predicted to introduce a premature termination codon and result in a truncated or absent protein product. This variant has been observed in at least one proband with clinical features consistent with Fabry disease (PMID:27560961). The variant was found to segregate with disease in at least one affected family (PMID:27560961). Functional or patient cell studies have been reported (PMID:27560961). It is absent or not present at a significant frequency in gnomAD. In conclusion, we classify GLA p.Thr194LeufsTer46 (c.579del) as a pathogenic variant.

Literature cited by the submitters: PubMed 27560961.

NM_000169.3(GLA):c.579del (p.Thr194fs)

Genes: GLA (galactosidase alpha; minus strand), RPL36A-HNRNPH2 (RPL36A-HNRNPH2 readthrough; plus strand). Cytogenetic location: Xq22.1.
Variant type: Deletion.
Coding change: c.579del on transcript NM_000169.3 (MANE Select); coding-DNA position 579, one base deleted (G; older notation c.579delG).
Protein change: p.Thr194fs; shifts the reading frame from threonine 194.
Molecular consequence: frameshift variant. On other transcripts: non-coding transcript variant (2), intron variant (2).
Genome position (GRCh38, 1-based): chrX:101,400,726, C deleted on the plus strand (G on the coding strand, the reverse complement: GLA is on the minus strand); the first of 2 consecutive C bases (chrX:101,400,726-101,400,727); deleting either gives the same sequence. VCF-style (leftmost placement, unchanged base first): chrX-101400725-TC-T. GRCh37 (hg19) VCF-style: chrX-100655713-TC-T.
Other names: c.702del, p.Thr235fs (NM_001406747.1); c.579del, p.Thr194fs (NM_001406748.1); c.300+5270del (NM_001199973.2); c.177+8905del (NM_001199974.2); short protein forms T194fs, T235fs.
Identifiers: ClinVar variation 4086976 (VCV004086976.2).